The following is an entry in ClinVar:

NM_001267550.2(TTN):c.29512_29513insGGCCGGGCGCGGTGGCTCACGCCTGTAATCCCAGCACTTTGGGAGGCCGAGGCGGGCGGATCACGAGGTCAGGAGATCGAGACCATCCTGNNNNNNNNNNAAAAAAAAAAAAAAAAAAAAGAATATGAAAAAT (p.Tyr9838delinsTrpProGlyAlaValAlaHisAlaCysAsnProSerThrLeuGlyGlyArgGlyGlyArgIleThrArgSerGlyAspArgAspHisProXaaXaaXaaXaaLysLysLysLysLysLysArgIleTer)

Gene: TTN (titin; minus strand). Cytogenetic location: 2q31.2.
Variant type: Insertion.
Coding change: c.29512_29513insGGCCGGGCGCGGTGGCTCACGCCTGTAATCCCAGCACTTTGGGAGGCCGAGGCGGGCGGATCACGAGGTCAGGAGATCGAGACCATCCTGNNNNNNNNNNAAAAAAAAAAAAAAAAAAAAGAATATGAAAAAT on transcript NM_001267550.2 (MANE Select); coding-DNA positions 29512 to 29513, GGCCGGGCGCGGTGGCTCACGCCTGTAATCCCAGCACTTTGGGAGGCCGAGGCGGGCGGATCACGAGGTCAGGAGATCGAGACCATCCTGNNNNNNNNNNAAAAAAAAAAAAAAAAAAAAGAATATGAAAAAT inserted.
Protein change: p.Tyr9838delinsTrpProGlyAlaValAlaHisAlaCysAsnProSerThrLeuGlyGlyArgGlyGlyArgIleThrArgSerGlyAspArgAspHisProXaaXaaXaaXaaLysLysLysLysLysLysArgIleTer.
Molecular consequence: nonsense. On other transcripts: intron variant (3).
Genome position: GRCh38: chr2:178,705,281-178,705,282. GRCh37 (hg19): chr2:179,570,008-179,570,009.
Other names: c.28561_28562insGGCCGGGCGCGGTGGCTCACGCCTGTAATCCCAGCACTTTGGGAGGCCGAGGCGGGCGGATCACGAGGTCAGGAGATCGAGACCATCCTGNNNNNNNNNNAAAAAAAAAAAAAAAAAAAAGAATATGAAAAAT, p.Tyr9521delinsTrpProGlyAlaValAlaHisAlaCysAsnProSerThrLeuGlyGlyArgGlyGlyArgIleThrArgSerGlyAspArgAspHisProXaaXaaXaaXaaLysLysLysLysLysLysArgIleTer (NM_001256850.1); c.25780_25781insGGCCGGGCGCGGTGGCTCACGCCTGTAATCCCAGCACTTTGGGAGGCCGAGGCGGGCGGATCACGAGGTCAGGAGATCGAGACCATCCTGNNNNNNNNNNAAAAAAAAAAAAAAAAAAAAGAATATGAAAAAT, p.Tyr8594delinsTrpProGlyAlaValAlaHisAlaCysAsnProSerThrLeuGlyGlyArgGlyGlyArgIleThrArgSerGlyAspArgAspHisProXaaXaaXaaXaaLysLysLysLysLysLysArgIleTer (NM_133378.4); c.13282+32816_13282+32817insAAAGAATATGAAAAATGGCCGGGCGCGGTGGCTCACGCCTGTAATCCCAGCACTTTGGGAGGCCGAGGCGGGCGGATCACGAGGTCAGGAGATCGAGACCATCCTGNNNNNNNNNNAAAAAAAAAAAAAAAAA (NM_003319.4); c.13858+32816_13858+32817insAAAGAATATGAAAAATGGCCGGGCGCGGTGGCTCACGCCTGTAATCCCAGCACTTTGGGAGGCCGAGGCGGGCGGATCACGAGGTCAGGAGATCGAGACCATCCTGNNNNNNNNNNAAAAAAAAAAAAAAAAA (NM_133437.4); c.13657+32816_13657+32817insAAAGAATATGAAAAATGGCCGGGCGCGGTGGCTCACGCCTGTAATCCCAGCACTTTGGGAGGCCGAGGCGGGCGGATCACGAGGTCAGGAGATCGAGACCATCCTGNNNNNNNNNNAAAAAAAAAAAAAAAAA (NM_133432.3).
Identifiers: ClinVar variation 1464440 (VCV001464440.8), dbSNP rs2154291624.

ClinVar aggregate classification (germline): Uncertain significance (1 of 4 stars; one submission).

Conditions:
Dilated cardiomyopathy 1G (CMD1G). Identifiers: Orphanet 154, MedGen C1858763, MONDO:0011400, OMIM 604145.
Autosomal recessive limb-girdle muscular dystrophy type 2J (LGMDR10). Also called: Limb-girdle muscular dystrophy, type 2J; MUSCULAR DYSTROPHY, LIMB-GIRDLE, AUTOSOMAL RECESSIVE 10. Identifiers: Orphanet 140922, MedGen C1837342, MONDO:0012127, OMIM 608807.

Submission:

Labcorp Genetics (formerly Invitae), Labcorp
Classification: Uncertain significance for Dilated cardiomyopathy 1G; Autosomal recessive limb-girdle muscular dystrophy type 2J. Last evaluated: 2021-03-17. Review status: criteria provided, single submitter. Criteria: Invitae Variant Classification Sherloc (09022015). Collection method: clinical testing. Allele origin: germline.
Comment: This variant is located in the I band of TTN (PMID: 25589632). Truncating variants in this region have been shown to be highly prevalent in the general population and unaffected individuals (PMID: 26701604, 22335739). However, truncating variants in this region have also been reported in individuals affected with autosomal recessive centronuclear myopathy (PMID: 23975875). In summary, the available evidence is currently insufficient to determine the role of this variant in disease. Therefore, it has been classified as a Variant of Uncertain Significance. Retrotransposon insertions including LINE1 (L1), Alu, and SVA (SINE-VNTR-Alu) have been reported to disrupt protein function (PMID: 19763152, 20307669, 22406018). However the effect of this particular variant is unknown. Algorithms developed to predict the effect of sequence changes on RNA splicing suggest that this variant may create or strengthen a splice site, but this prediction has not been confirmed by published transcriptional studies. This variant has not been reported in the literature in individuals with TTN-related conditions. This variant is not present in population databases (ExAC no frequency). This sequence change inserts a large fragment of DNA, likely a transposable element, in exon 103 of the TTN gene (c.29512_29513ins?), causing a frameshift at codon 9838 (p.Tyr9838Trpfs). The exact size and sequence of the insertion cannot be determined by the current assay. While this is not anticipated to result in nonsense mediated decay, it is expected to create a truncated TTN protein.

Literature cited by the submitters: PubMed 25589632; PubMed 26701604; PubMed 22335739; PubMed 23975875; PubMed 19763152; PubMed 20307669; PubMed 22406018.